The following is an entry in ClinVar:

NM_002485.5(NBN):c.2070G>T (p.Lys690Asn)

Gene: NBN (nibrin; minus strand). Cytogenetic location: 8q21.3.
Variant type: single nucleotide variant.
Coding change: c.2070G>T on transcript NM_002485.5 (MANE Select); coding-DNA position 2070, G replaced by T.
Protein change: p.Lys690Asn; replaces lysine 690 with asparagine.
Molecular consequence: missense variant.
Genome position (GRCh38, 1-based): chr8:89,946,140, C>A on the plus strand (G>T on the coding strand, the complement: NBN is on the minus strand). VCF-style: chr8-89946140-C-A. GRCh37 (hg19) VCF-style: chr8-90958368-C-A.
Other names: c.1824G>T, p.Lys608Asn (NM_001024688.3); short protein forms K608N, K690N.
Identifiers: ClinVar variation 999771 (VCV000999771.9), dbSNP rs1810173689, ClinGen allele CA371676312.

ClinVar aggregate classification (germline): Uncertain significance (1 of 4 stars; one submission).

Conditions:
Microcephaly, normal intelligence and immunodeficiency (NBS). Also called: Microcephaly with normal intelligence immunodeficiency and lymphoreticular malignancies; Nonsyndromal microcephaly autosomal recessive with normal intelligence; Seemanova syndrome 2; Immunodeficiency, microcephaly with normal intelligence; Ataxia telangiectasia variant V1; BERLIN BREAKAGE SYNDROME. Identifiers: Orphanet 647, MedGen C0398791, MONDO:0009623, OMIM 251260.

Submissions (2):

Labcorp Genetics (formerly Invitae), Labcorp
Classification: Uncertain significance for Microcephaly, normal intelligence and immunodeficiency. Last evaluated: 2020-08-25. Review status: criteria provided, single submitter. Criteria: Invitae Variant Classification Sherloc (09022015). Collection method: clinical testing. Allele origin: germline.
Comment: This sequence change replaces lysine with asparagine at codon 690 of the NBN protein (p.Lys690Asn). The lysine residue is moderately conserved and there is a moderate physicochemical difference between lysine and asparagine. This variant also falls at the last nucleotide of exon 13 of the NBN coding sequence, which is part of the consensus splice site for this exon. This variant is not present in population databases (ExAC no frequency). This variant has not been reported in the literature in individuals with NBN-related conditions. Algorithms developed to predict the effect of missense changes on protein structure and function are either unavailable or do not agree on the potential impact of this missense change (SIFT: "Deleterious"; PolyPhen-2: "Probably Damaging"; Align-GVGD: "Class C0"). Nucleotide substitutions within the consensus splice site are a relatively common cause of aberrant splicing (PMID: 17576681, 9536098). Algorithms developed to predict the effect of sequence changes on RNA splicing suggest that this variant may disrupt the consensus splice site, but this prediction has not been confirmed by published transcriptional studies. In summary, the available evidence is currently insufficient to determine the role of this variant in disease. Therefore, it has been classified as a Variant of Uncertain Significance.

Dr. Peter K. Rogan Lab, Western University
No classification provided (evidence only). Condition: Papillary renal cell carcinoma type 1. Review status: no classification provided. Collection method: in vitro. Allele origin: not applicable. Functional consequence: retained intron. Not counted in ClinVar's aggregate classification.

Literature cited by the submitters: PubMed 17576681 (cited by Labcorp Genetics (formerly Invitae), Labcorp); PubMed 9536098 (cited by Labcorp Genetics (formerly Invitae), Labcorp).